The following is an entry in ClinVar:

ClinVar aggregate classification (germline): Pathogenic (1 of 4 stars; one submission).

Conditions:
Ornithine aminotransferase deficiency (GACR). Also called: Ornithine ketoacid aminotransferase deficiency; Gyrate atrophy; Gyrate atrophy of choroid and retina; Girate atrophy of the retina; HYPERORNITHINEMIA WITH GYRATE ATROPHY OF CHOROID AND RETINA; OAT DEFICIENCY. Identifiers: Orphanet 414, MedGen C0018425, MONDO:0009796, OMIM 258870.

Submission:

Labcorp Genetics (formerly Invitae), Labcorp
Classification: Pathogenic for Ornithine aminotransferase deficiency. Last evaluated: 2020-02-18. Review status: criteria provided, single submitter. Criteria: Invitae Variant Classification Sherloc (09022015). Collection method: clinical testing. Allele origin: germline.
Comment: For these reasons, this variant has been classified as Pathogenic. Loss-of-function variants in OAT are known to be pathogenic (PMID: 1737786, 23076989). This variant has not been reported in the literature in individuals with OAT-related conditions. This variant is an out-of-frame deletion of the genomic region encompassing exons 3 to 5 of the OAT gene. This is expected to create a premature translational stop signal and result in an absent or disrupted protein product.

Literature cited by the submitters: PubMed 1737786; PubMed 23076989.

NC_000010.10:g.(?_126093995)_(126100239_?)del

Gene: OAT (ornithine aminotransferase; minus strand). Cytogenetic location: 10q26.13.
Variant type: Deletion.
Identifiers: ClinVar variation 1074423 (VCV001074423.5).